The following is an entry in ClinVar:

NM_001903.5(CTNNA1):c.1710G>T (p.Glu570Asp)

Gene: CTNNA1 (catenin alpha 1; plus strand). Cytogenetic location: 5q31.2.
Variant type: single nucleotide variant.
Coding change: c.1710G>T on transcript NM_001903.5 (MANE Select); coding-DNA position 1710, G replaced by T.
Protein change: p.Glu570Asp; replaces glutamic acid 570 with aspartic acid.
Molecular consequence: missense variant.
Genome position (GRCh38, 1-based): chr5:138,924,673, G>T. VCF-style: chr5-138924673-G-T. GRCh37 (hg19) VCF-style: chr5-138260362-G-T.
Other names: c.600G>T, p.Glu200Asp (NM_001323996.1, NM_001323997.1, NM_001323998.1 and 17 more transcripts); c.1710G>T, p.Glu570Asp (NM_001290307.3, NM_001323982.2, NM_001323983.1 and 2 more transcripts); c.1401G>T, p.Glu467Asp (NM_001290309.3); c.1341G>T, p.Glu447Asp (NM_001290310.3); c.1617G>T, p.Glu539Asp (NM_001323986.2); c.261G>T, p.Glu87Asp (NM_001324006.1, NM_001324007.1, NM_001324008.1 and 2 more transcripts); c.507G>T, p.Glu169Asp (NM_001324011.1); c.357G>T, p.Glu119Asp (NM_001324012.1, NM_001324013.1); short protein forms E200D, E87D, E467D, E119D, E447D, E539D, E169D, E570D.
Identifiers: ClinVar variation 3659422 (VCV003659422.2).

ClinVar aggregate classification (germline): Uncertain significance (1 of 4 stars; one submission).

Submission:

Labcorp Genetics (formerly Invitae), Labcorp
Classification: Uncertain significance. Last evaluated: 2024-10-10. Review status: criteria provided, single submitter. Criteria: Invitae Variant Classification Sherloc (09022015). Collection method: clinical testing. Allele origin: germline.
Comment: This sequence change replaces glutamic acid, which is acidic and polar, with aspartic acid, which is acidic and polar, at codon 570 of the CTNNA1 protein (p.Glu570Asp). This variant is not present in population databases (gnomAD no frequency). This variant has not been reported in the literature in individuals affected with CTNNA1-related conditions. Invitae Evidence Modeling of protein sequence and biophysical properties (such as structural, functional, and spatial information, amino acid conservation, physicochemical variation, residue mobility, and thermodynamic stability) indicates that this missense variant is not expected to disrupt CTNNA1 protein function with a negative predictive value of 80%. In summary, the available evidence is currently insufficient to determine the role of this variant in disease. Therefore, it has been classified as a Variant of Uncertain Significance.